The following is an entry in ClinVar:

ClinVar aggregate classification (germline): Pathogenic/Likely pathogenic. Review status: criteria provided, multiple submitters, no conflicts (2 of 4 stars). 3 submissions from 3 submitters: Pathogenic (2); Likely pathogenic (1). Last evaluated 2024-02-07.

Conditions:
Jeune thoracic dystrophy. Also called: Jeune syndrome; Infantile thoracic dystrophy; Thoracic pelvic phalangeal dystrophy; Jeune's syndrome; Chondroectodermal dysplasia-like syndrome; Short-rib thoracic dysplasia. Identifiers: Orphanet 474, MedGen C0265275, MONDO:0018770.
Asphyxiating thoracic dystrophy 2 (SRTD2). Also called: SHORT-RIB THORACIC DYSPLASIA 2 WITH OR WITHOUT POLYDACTYLY; SHORT-RIB THORACIC DYSPLASIA 2 WITH POLYDACTYLY; SHORT-RIB THORACIC DYSPLASIA 2 WITHOUT POLYDACTYLY. Identifiers: Orphanet 474, MedGen C1970005, MONDO:0012644, OMIM 611263.

Allele frequency attached by ClinVar (database versions not stated): gnomAD exomes 0.00001; TOPMed 0.00001.
gnomAD v4.1: 39 of 1,611,080 alleles (0.0024%); highest among the groups gnomAD compares: East Asian, 0.087%; no homozygotes.

Submissions (3):

Labcorp Genetics (formerly Invitae), Labcorp
Classification: Pathogenic for Jeune thoracic dystrophy. Last evaluated: 2024-02-07. Review status: criteria provided, single submitter. Criteria: Invitae Variant Classification Sherloc (09022015). Collection method: clinical testing. Allele origin: germline.
Comment: This sequence change creates a premature translational stop signal (p.Ser134*) in the IFT80 gene. It is expected to result in an absent or disrupted protein product. Loss-of-function variants in IFT80 are known to be pathogenic (PMID: 21227999, 23339108, 29068549). This variant is present in population databases (no rsID available, gnomAD 0.01%). This variant has not been reported in the literature in individuals affected with IFT80-related conditions. ClinVar contains an entry for this variant (Variation ID: 992480). For these reasons, this variant has been classified as Pathogenic.

Women's Health and Genetics/Laboratory Corporation of America, LabCorp
Classification: Likely pathogenic for Asphyxiating thoracic dystrophy 2. Last evaluated: 2020-12-21. Review status: criteria provided, single submitter. Criteria: LabCorp Variant Classification Summary - May 2015. Collection method: clinical testing. Allele origin: germline.
Comment: Variant summary: IFT80 c.401C>G (p.Ser134X) results in a premature termination codon, predicted to cause a truncation of the encoded protein or absence of the protein due to nonsense mediated decay, which are commonly known mechanisms for disease. Truncations downstream of this position have been reported in affected individuals (HGMD). The variant allele was found at a frequency of 8e-06 in 250270 control chromosomes (gnomAD). To our knowledge, no occurrence of c.401C>G in individuals affected with Asphyxiating Thoracic Dystrophy 2 and no experimental evidence demonstrating its impact on protein function have been reported. No clinical diagnostic laboratories have submitted clinical-significance assessments for this variant to ClinVar after 2014. Based on the evidence outlined above, the variant was classified as likely pathogenic.

Juno Genomics, Hangzhou Juno Genomics, Inc
Classification: Pathogenic for Asphyxiating thoracic dystrophy 2. Review status: criteria provided, single submitter. Criteria: ACMG Guidelines, 2015. Collection method: clinical testing. Allele origin: germline.
Comment: Absent from controls (or at extremely low frequency if recessive) in Genome Aggregation Database.;Null variant in a gene where loss of function (LOF) is a known mechanism of disease.;For recessive disorders, detected in trans with a pathogenic variant.

Literature cited by the submitters: PubMed 21227999 (cited by Labcorp Genetics (formerly Invitae), Labcorp); PubMed 23339108 (cited by Labcorp Genetics (formerly Invitae), Labcorp); PubMed 29068549 (cited by Labcorp Genetics (formerly Invitae), Labcorp).

NM_020800.3(IFT80):c.401C>G (p.Ser134Ter)

Genes: IFT80 (intraflagellar transport 80; minus strand), TRIM59-IFT80 (TRIM59-IFT80 readthrough (NMD candidate); minus strand). Cytogenetic location: 3q25.33.
Variant type: single nucleotide variant.
Coding change: c.401C>G on transcript NM_020800.3 (MANE Select); coding-DNA position 401, C replaced by G.
Protein change: p.Ser134Ter; replaces serine 134 with a stop codon.
Molecular consequence: nonsense. On other transcripts: non-coding transcript variant (2), 5 prime UTR variant (2).
Genome position (GRCh38, 1-based): chr3:160,375,850, G>C on the plus strand (C>G on the coding strand, the complement: IFT80 is on the minus strand). VCF-style: chr3-160375850-G-C. GRCh37 (hg19) VCF-style: chr3-160093638-G-C.
Other names: c.-11C>G (NM_001190241.2, NM_001190242.2); short protein forms S134*.
Identifiers: ClinVar variation 992480 (VCV000992480.5), dbSNP rs1241223548, ClinGen allele CA355194106.